The following is an entry in ClinVar:

ClinVar aggregate classification (germline): Uncertain significance. Review status: criteria provided, multiple submitters, no conflicts (2 of 4 stars). 2 submissions from 2 submitters: Uncertain significance (2). Last evaluated 2026-08-31.

Conditions:
Inborn genetic diseases. Identifiers: MedGen C0950123, MeSH D030342.
Benign neonatal seizures. Also called: Benign neonatal familial convulsions; Benign familial neonatal seizures; Benign familial neonatal epilepsy; Convulsions benign familial neonatal dominant form; Autosomal dominant form of benign neonatal seizures. Identifiers: Orphanet 1949, MedGen C0220669, MONDO:0016027.

Allele frequency attached by ClinVar (database versions not stated): gnomAD exomes below 0.00001; ExAC 0.00001; gnomAD 0.00001; TOPMed 0.00001.
gnomAD v4.1: 8 of 1,611,632 alleles (0.0005%); highest among the groups gnomAD compares: African/African-American, 0.0013%; no homozygotes.

Submissions (2):

Ambry Genetics
Classification: Uncertain significance for Inborn genetic diseases. Last evaluated: 2026-08-31. Review status: criteria provided, single submitter. Criteria: Ambry Variant Classification Scheme 2023. Collection method: clinical testing. Allele origin: germline.

Labcorp Genetics (formerly Invitae), Labcorp
Classification: Uncertain significance for Benign neonatal seizures. Last evaluated: 2024-03-21. Review status: criteria provided, single submitter. Criteria: Invitae Variant Classification Sherloc (09022015). Collection method: clinical testing. Allele origin: germline.
Comment: This sequence change replaces tyrosine, which is neutral and polar, with histidine, which is basic and polar, at codon 530 of the KCNQ3 protein (p.Tyr530His). This variant is present in population databases (rs781350596, gnomAD 0.0009%). This variant has not been reported in the literature in individuals affected with KCNQ3-related conditions. ClinVar contains an entry for this variant (Variation ID: 644020). Advanced modeling of protein sequence and biophysical properties (such as structural, functional, and spatial information, amino acid conservation, physicochemical variation, residue mobility, and thermodynamic stability) performed at Invitae indicates that this missense variant is not expected to disrupt KCNQ3 protein function with a negative predictive value of 80%. In summary, the available evidence is currently insufficient to determine the role of this variant in disease. Therefore, it has been classified as a Variant of Uncertain Significance.

NM_004519.4(KCNQ3):c.1588T>C (p.Tyr530His)

Gene: KCNQ3 (potassium voltage-gated channel subfamily Q member 3; minus strand). Cytogenetic location: 8q24.22.
Variant type: single nucleotide variant.
Coding change: c.1588T>C on transcript NM_004519.4 (MANE Select); coding-DNA position 1588, T replaced by C.
Protein change: p.Tyr530His; replaces tyrosine 530 with histidine.
Molecular consequence: missense variant.
Genome position (GRCh38, 1-based): chr8:132,137,997, A>G on the plus strand (T>C on the coding strand, the complement: KCNQ3 is on the minus strand). VCF-style: chr8-132137997-A-G. GRCh37 (hg19) VCF-style: chr8-133150244-A-G.
Other names: c.1228T>C, p.Tyr410His (NM_001204824.2); short protein forms Y410H, Y530H.
Identifiers: ClinVar variation 644020 (VCV000644020.8), dbSNP rs781350596, ClinGen allele CA4880648.